The following is an entry in ClinVar:

NM_019892.6(INPP5E):c.815G>T (p.Ser272Ile)

Gene: INPP5E (inositol polyphosphate-5-phosphatase E; minus strand). Cytogenetic location: 9q34.3.
Variant type: single nucleotide variant.
Coding change: c.815G>T on transcript NM_019892.6 (MANE Select); coding-DNA position 815, G replaced by T.
Protein change: p.Ser272Ile; replaces serine 272 with isoleucine.
Molecular consequence: missense variant.
Genome position (GRCh38, 1-based): chr9:136,434,861, C>A on the plus strand (G>T on the coding strand, the complement: INPP5E is on the minus strand). VCF-style: chr9-136434861-C-A. GRCh37 (hg19) VCF-style: chr9-139329313-C-A.
Other names: c.815G>T, p.Ser272Ile (NM_001318502.2); short protein forms S272I.
Identifiers: ClinVar variation 2109766 (VCV002109766.4), dbSNP rs1835796470, ClinGen allele CA375566178.

ClinVar aggregate classification (germline): Uncertain significance (1 of 4 stars; one submission).

Conditions:
Joubert syndrome. Also called: CEREBELLOPARENCHYMAL DISORDER IV; JOUBERT-BOLTSHAUSER SYNDROME; Familial aplasia of the vermis. Identifiers: Orphanet 475, MedGen C5979921, MONDO:0018772.

Allele frequency attached by ClinVar (database versions not stated): gnomAD exomes below 0.00001; TOPMed below 0.00001.
gnomAD v4.1: 2 of 1,606,214 alleles (0.00012%); highest among the groups gnomAD compares: African/African-American, 0.0013%; no homozygotes.

Submission:

Labcorp Genetics (formerly Invitae), Labcorp
Classification: Uncertain significance for Joubert syndrome. Last evaluated: 2024-01-02. Review status: criteria provided, single submitter. Criteria: Invitae Variant Classification Sherloc (09022015). Collection method: clinical testing. Allele origin: germline.
Comment: This sequence change replaces serine, which is neutral and polar, with isoleucine, which is neutral and non-polar, at codon 272 of the INPP5E protein (p.Ser272Ile). This variant is not present in population databases (gnomAD no frequency). This variant has not been reported in the literature in individuals affected with INPP5E-related conditions. ClinVar contains an entry for this variant (Variation ID: 2109766). An algorithm developed to predict the effect of missense changes on protein structure and function (PolyPhen-2) suggests that this variant is likely to be disruptive. In summary, the available evidence is currently insufficient to determine the role of this variant in disease. Therefore, it has been classified as a Variant of Uncertain Significance.